The following is an entry in ClinVar:

NM_001042750.2(STAG2):c.2175G>A (p.Met725Ile)

Gene: STAG2 (STAG2 cohesin complex component; plus strand). Cytogenetic location: Xq25.
Variant type: single nucleotide variant.
Coding change: c.2175G>A on transcript NM_001042750.2 (MANE Select); coding-DNA position 2175, G replaced by A.
Protein change: p.Met725Ile; replaces methionine 725 with isoleucine.
Molecular consequence: missense variant.
Genome position (GRCh38, 1-based): chrX:124,066,253, G>A. VCF-style: chrX-124066253-G-A. GRCh37 (hg19) VCF-style: chrX-123200103-G-A.
Other names: c.2175G>A, p.Met725Ile (NM_001042749.2, NM_001042751.2, NM_001282418.2 and 13 more transcripts); short protein forms M725I.
Identifiers: ClinVar variation 1320706 (VCV001320706.4), dbSNP rs2148343231, ClinGen allele CA414273692.

ClinVar aggregate classification (germline): Uncertain significance. Review status: criteria provided, multiple submitters, no conflicts (2 of 4 stars). 2 submissions from 2 submitters: Uncertain significance (2). Last evaluated 2024-05-31.

gnomAD v4.1: 1 of 1,193,916 alleles (0.000084%); highest among the groups gnomAD compares: Non-Finnish European, 0.00011%; no homozygotes.

Submissions (2):

Labcorp Genetics (formerly Invitae), Labcorp
Classification: Uncertain significance. Last evaluated: 2024-05-31. Review status: criteria provided, single submitter. Criteria: Invitae Variant Classification Sherloc (09022015). Collection method: clinical testing. Allele origin: germline.
Comment: This sequence change replaces methionine, which is neutral and non-polar, with isoleucine, which is neutral and non-polar, at codon 725 of the STAG2 protein (p.Met725Ile). This variant is not present in population databases (gnomAD no frequency). This variant has not been reported in the literature in individuals affected with STAG2-related conditions. ClinVar contains an entry for this variant (Variation ID: 1320706). Advanced modeling of protein sequence and biophysical properties (such as structural, functional, and spatial information, amino acid conservation, physicochemical variation, residue mobility, and thermodynamic stability) performed at Invitae indicates that this missense variant is not expected to disrupt STAG2 protein function with a negative predictive value of 80%. In summary, the available evidence is currently insufficient to determine the role of this variant in disease. Therefore, it has been classified as a Variant of Uncertain Significance.

GeneDx
Classification: Uncertain significance. Last evaluated: 2019-12-02. Review status: criteria provided, single submitter. Criteria: GeneDx Variant Classification Process June 2021. Collection method: clinical testing. Allele origin: germline. Affected: yes.
Comment: Not observed in large population cohorts (Lek et al., 2016); In silico analysis, which includes protein predictors and evolutionary conservation, supports that this variant does not alter protein structure/function; Has not been previously published as pathogenic or benign to our knowledge